The following is an entry in ClinVar:

ClinVar aggregate classification (germline): Likely pathogenic (1 of 4 stars; one submission).

Conditions:
Autosomal recessive limb-girdle muscular dystrophy type 2J (LGMDR10). Also called: Limb-girdle muscular dystrophy, type 2J; MUSCULAR DYSTROPHY, LIMB-GIRDLE, AUTOSOMAL RECESSIVE 10. Identifiers: Orphanet 140922, MedGen C1837342, MONDO:0012127, OMIM 608807.
Dilated cardiomyopathy 1G (CMD1G). Identifiers: Orphanet 154, MedGen C1858763, MONDO:0011400, OMIM 604145.

Submission:

Labcorp Genetics (formerly Invitae), Labcorp
Classification: Likely pathogenic for Dilated cardiomyopathy 1G; Autosomal recessive limb-girdle muscular dystrophy type 2J. Last evaluated: 2025-07-09. Review status: criteria provided, single submitter. Criteria: Invitae Variant Classification Sherloc (09022015). Collection method: clinical testing. Allele origin: germline.
Comment: This sequence change creates a premature translational stop signal (p.Glu25326*) in the TTN gene. This variant is located in the I band of TTN (PMID: 25589632). Truncating variants in this region have been reported in individuals affected with autosomal recessive centronuclear myopathy (PMID: 23975875, internal data). Truncating variants in this region have also been identified in individuals affected with autosomal dominant dilated cardiomyopathy and/or cardio-related conditions (PMID: 27869827, 32964742, internal data). This variant is not present in population databases (gnomAD no frequency). This variant has not been reported in the literature in individuals affected with TTN-related conditions. This variant is located in the A band of TTN (PMID: 25589632). Truncating variants in this region are significantly overrepresented in patients affected with dilated cardiomyopathy (PMID: 25589632). Truncating variants in this region have also been reported in individuals affected with autosomal recessive centronuclear myopathy (PMID: 23975875). In summary, the currently available evidence indicates that the variant is pathogenic, but additional data are needed to prove that conclusively. Therefore, this variant has been classified as Likely Pathogenic.

Literature cited by the submitters: PubMed 25589632; PubMed 23975875; PubMed 27869827; PubMed 32964742.

NM_001267550.2(TTN):c.75976G>T (p.Glu25326Ter)

Genes: TTN-AS1 (TTN antisense RNA 1; plus strand), TTN (titin; minus strand). Cytogenetic location: 2q31.2.
Variant type: single nucleotide variant.
Coding change: c.75976G>T on transcript NM_001267550.2 (MANE Select); coding-DNA position 75976, G replaced by T.
Protein change: p.Glu25326Ter; replaces glutamic acid 25326 with a stop codon.
Molecular consequence: nonsense.
Genome position (GRCh38, 1-based): chr2:178,570,156, C>A on the plus strand (G>T on the coding strand, the complement: TTN is on the minus strand). VCF-style: chr2-178570156-C-A. GRCh37 (hg19) VCF-style: chr2-179434883-C-A.
Other names: c.71053G>T, p.Glu23685Ter (NM_001256850.1); c.48781G>T, p.Glu16261Ter (NM_003319.4); c.68272G>T, p.Glu22758Ter (NM_133378.4); c.49156G>T, p.Glu16386Ter (NM_133432.3); c.49357G>T, p.Glu16453Ter (NM_133437.4); short protein forms E16453*, E23685*, E25326*, E22758*, E16386*, E16261*.
Identifiers: ClinVar variation 4785454 (VCV004785454.1).